The following is an entry in ClinVar:

ClinVar aggregate classification (germline): Uncertain significance (1 of 4 stars; one submission).

Conditions:
Meckel-Gruber syndrome. Also called: Dysencephalia splachnocystica; DYSENCEPHALIA SPLANCHNOCYSTICA; GRUBER SYNDROME. Identifiers: Orphanet 564, MedGen C0265215, MONDO:0018921.
Joubert syndrome. Also called: Familial aplasia of the vermis; CEREBELLOPARENCHYMAL DISORDER IV; JOUBERT-BOLTSHAUSER SYNDROME. Identifiers: Orphanet 475, MedGen C5979921, MONDO:0018772.

Allele frequency attached by ClinVar (database versions not stated): gnomAD exomes below 0.00001.

Submission:

Labcorp Genetics (formerly Invitae), Labcorp
Classification: Uncertain significance for Joubert syndrome; Meckel-Gruber syndrome. Last evaluated: 2022-07-31. Review status: criteria provided, single submitter. Criteria: Invitae Variant Classification Sherloc (09022015). Collection method: clinical testing. Allele origin: germline.
Comment: This sequence change replaces leucine, which is neutral and non-polar, with phenylalanine, which is neutral and non-polar, at codon 505 of the MKS1 protein (p.Leu505Phe). This variant is not present in population databases (gnomAD no frequency). This variant has not been reported in the literature in individuals affected with MKS1-related conditions. ClinVar contains an entry for this variant (Variation ID: 938477). Advanced modeling of protein sequence and biophysical properties (such as structural, functional, and spatial information, amino acid conservation, physicochemical variation, residue mobility, and thermodynamic stability) performed at Invitae indicates that this missense variant is not expected to disrupt MKS1 protein function. In summary, the available evidence is currently insufficient to determine the role of this variant in disease. Therefore, it has been classified as a Variant of Uncertain Significance.

NM_017777.4(MKS1):c.1513C>T (p.Leu505Phe)

Gene: MKS1 (MKS transition zone complex subunit 1; minus strand). Cytogenetic location: 17q22.
Variant type: single nucleotide variant.
Coding change: c.1513C>T on transcript NM_017777.4 (MANE Select); coding-DNA position 1513, C replaced by T.
Protein change: p.Leu505Phe; replaces leucine 505 with phenylalanine.
Molecular consequence: missense variant. On other transcripts: synonymous variant (1).
Genome position (GRCh38, 1-based): chr17:58,206,358, G>A on the plus strand (C>T on the coding strand, the complement: MKS1 is on the minus strand). VCF-style: chr17-58206358-G-A. GRCh37 (hg19) VCF-style: chr17-56283719-G-A.
Other names: c.904C>T, p.Leu302Phe (NM_001321268.2); c.1430C>T, p.Pro477Leu (NM_001321269.2); c.1296C>T, p.Pro432= (NM_001330397.2); short protein forms P477L, L302F, L505F.
Identifiers: ClinVar variation 938477 (VCV000938477.7), dbSNP rs1968506619, ClinGen allele CA400324545.